The following is an entry in ClinVar:

NM_001379180.1(ESRRB):c.148G>A (p.Ala50Thr)

Gene: ESRRB (estrogen related receptor beta; plus strand). Cytogenetic location: 14q24.3.
Variant type: single nucleotide variant.
Coding change: c.148G>A on transcript NM_001379180.1 (MANE Select); coding-DNA position 148, G replaced by A.
Protein change: p.Ala50Thr; replaces alanine 50 with threonine.
Molecular consequence: missense variant.
Genome position (GRCh38, 1-based): chr14:76,439,438, G>A. VCF-style: chr14-76439438-G-A. GRCh37 (hg19) VCF-style: chr14-76905781-G-A.
Other names: c.100G>A, p.Ala34Thr (NM_001411038.1); c.85G>A, p.Ala29Thr (NM_004452.4); short protein forms A29T, A50T, A34T.
Identifiers: ClinVar variation 4999553 (VCV004999553.1).

ClinVar aggregate classification (germline): Uncertain significance (1 of 4 stars; one submission).

Conditions:
ESRRB-related disorder. Also called: ESRRB-related condition.

gnomAD v4.1: 11 of 1,613,398 alleles (0.00068%); highest among the groups gnomAD compares: Non-Finnish European, 0.00093%; no homozygotes.

Submission:

PreventionGenetics, part of Exact Sciences
Classification: Uncertain significance for ESRRB-related condition. Last evaluated: 2026-06-27. Review status: criteria provided, single submitter. Criteria: ACMG Guidelines, 2015. Collection method: clinical testing. Allele origin: germline.
Comment: The ESRRB c.85G>A variant is predicted to result in the amino acid substitution p.Ala29Thr. To our knowledge, this variant has not been reported in the literature or in a large population database (gnomAD), indicating this variant is rare. At this time, the clinical significance of this variant is uncertain due to the absence of conclusive functional and genetic evidence.